The following is an entry in ClinVar:

ClinVar aggregate classification (germline): Uncertain significance. Review status: criteria provided, multiple submitters, no conflicts (2 of 4 stars). 2 submissions from 2 submitters: Uncertain significance (2). Last evaluated 2024-03-25.

Conditions:
Polycystic kidney disease 4 (PKD4). Also called: POLYCYSTIC KIDNEY AND HEPATIC DISEASE 1; POLYCYSTIC KIDNEY DISEASE, INFANTILE, TYPE I; PKD3; Autosomal Recessive Polycystic Kidney Disease – PKHD1; POLYCYSTIC KIDNEY DISEASE 4 WITH OR WITHOUT POLYCYSTIC LIVER DISEASE. Identifiers: MedGen C4540575, MONDO:0033004, OMIM 263200.
PKHD1-related disorder. Also called: PKHD1-related condition.

Allele frequency attached by ClinVar (database versions not stated): ExAC 0.00001; TOPMed 0.00001.
gnomAD v4.1: 2 of 1,614,140 alleles (0.00012%); highest among the groups gnomAD compares: East Asian, 0.0022%; no homozygotes.

Submissions (2):

Fulgent Genetics
Classification: Uncertain significance for Polycystic kidney disease 4. Last evaluated: 2024-03-25. Review status: criteria provided, single submitter. Criteria: ACMG Guidelines, 2015. Collection method: clinical testing. Allele origin: germline.

PreventionGenetics, part of Exact Sciences
Classification: Uncertain significance for PKHD1-related condition. Last evaluated: 2023-05-27. Review status: criteria provided, single submitter. Criteria: ACMG Guidelines, 2015. Collection method: clinical testing. Allele origin: germline.
Comment: The PKHD1 c.1100A>G variant is predicted to result in the amino acid substitution p.Gln367Arg. To our knowledge, this variant has not been reported in the literature. This variant is reported in 0.0023% of alleles in individuals of European (Non-Finnish) descent in gnomAD. At this time, the clinical significance of this variant is uncertain due to the absence of conclusive functional and genetic evidence.

NM_138694.4(PKHD1):c.1100A>G (p.Gln367Arg)

Gene: PKHD1 (PKHD1 ciliary IPT domain containing fibrocystin/polyductin; minus strand). Cytogenetic location: 6p12.2.
Variant type: single nucleotide variant.
Coding change: c.1100A>G on transcript NM_138694.4 (MANE Select); coding-DNA position 1100, A replaced by G.
Protein change: p.Gln367Arg; replaces glutamine 367 with arginine.
Molecular consequence: missense variant.
Genome position (GRCh38, 1-based): chr6:52,062,537, T>C on the plus strand (A>G on the coding strand, the complement: PKHD1 is on the minus strand). VCF-style: chr6-52062537-T-C. GRCh37 (hg19) VCF-style: chr6-51927335-T-C.
Other names: c.1100A>G, p.Gln367Arg (NM_170724.3); short protein forms Q367R.
Identifiers: ClinVar variation 2630307 (VCV002630307.2), dbSNP rs759184177, ClinGen allele CA3853652.
Genomic context (GRCh38, chr6:52,062,537, plus strand): 5'-AAGGTGCTTTTGATGTGGGCTCCCACTTTTCCTACAACATACCTGAAAGGTTGTCCTTCC[T>C]GTGACCAAAACCCAAATGGAGAACTGGCATTAGGGACAATCTGCCACCTGTACCCTGGGG-3'
Protein context (NP_619639.3, residues 357-377): NASSPFGFWS[Gln367Arg]EGQPFRARLS